The following is an entry in ClinVar:

NM_001040108.2(MLH3):c.1957C>A (p.Pro653Thr)

Gene: MLH3 (mutL homolog 3; minus strand). Cytogenetic location: 14q24.3.
Variant type: single nucleotide variant.
Coding change: c.1957C>A on transcript NM_001040108.2 (MANE Select); coding-DNA position 1957, C replaced by A.
Protein change: p.Pro653Thr; replaces proline 653 with threonine.
Molecular consequence: missense variant.
Genome position (GRCh38, 1-based): chr14:75,047,699, G>T on the plus strand (C>A on the coding strand, the complement: MLH3 is on the minus strand). VCF-style: chr14-75047699-G-T. GRCh37 (hg19) VCF-style: chr14-75514402-G-T.
Other names: c.1957C>A, p.Pro653Thr (NM_014381.3); short protein forms P653T.
Identifiers: ClinVar variation 3295102 (VCV003295102.1).

ClinVar aggregate classification (germline): Uncertain significance (1 of 4 stars; one submission).

gnomAD v4.1: 6 of 1,614,072 alleles (0.00037%); highest among the groups gnomAD compares: Non-Finnish European, 0.00051%; no homozygotes.

Submission:

Ambry Genetics
Classification: Uncertain significance. Last evaluated: 2024-04-06. Review status: criteria provided, single submitter. Criteria: Ambry Variant Classification Scheme 2023. Collection method: clinical testing. Allele origin: germline.
Comment: The p.P653T variant (also known as c.1957C>A), located in coding exon 1 of the MLH3 gene, results from a C to A substitution at nucleotide position 1957. The proline at codon 653 is replaced by threonine, an amino acid with highly similar properties. This amino acid position is conserved. In addition, this alteration is predicted to be tolerated by in silico analysis. Based on the available evidence, the clinical significance of this variant remains unclear.